The following is an entry in ClinVar:

ClinVar aggregate classification (germline): Pathogenic (1 of 4 stars; one submission).

Conditions:
Inborn genetic diseases. Identifiers: MedGen C0950123, MeSH D030342.

Submission:

Ambry Genetics
Classification: Pathogenic for Inborn genetic diseases. Last evaluated: 2024-07-09. Review status: criteria provided, single submitter. Criteria: Ambry Variant Classification Scheme 2023. Collection method: clinical testing. Allele origin: germline.
Comment: The c.6436C>T (p.R2146*) alteration, located in exon 11 (coding exon 10) of the ASH1L gene, consists of a C to T substitution at nucleotide position 6436. This changes the amino acid from a arginine (R) to a stop codon at amino acid position 2146. This alteration is expected to result in loss of function by premature protein truncation or nonsense-mediated mRNA decay. This variant was not reported in population-based cohorts in the Genome Aggregation Database (gnomAD). Based on the available evidence, this alteration is classified as pathogenic.

NM_018489.3(ASH1L):c.6436C>T (p.Arg2146Ter)

Gene: ASH1L (ASH1 like histone lysine methyltransferase; minus strand). Cytogenetic location: 1q22.
Variant type: single nucleotide variant.
Coding change: c.6436C>T on transcript NM_018489.3 (MANE Select); coding-DNA position 6436, C replaced by T.
Protein change: p.Arg2146Ter; replaces arginine 2146 with a stop codon.
Molecular consequence: nonsense.
Genome position (GRCh38, 1-based): chr1:155,370,880, G>A on the plus strand (C>T on the coding strand, the complement: ASH1L is on the minus strand). VCF-style: chr1-155370880-G-A. GRCh37 (hg19) VCF-style: chr1-155340671-G-A.
Other names: c.6451C>T, p.Arg2151Ter (NM_001366177.2); short protein forms R2151*, R2146*.
Identifiers: ClinVar variation 3435994 (VCV003435994.1).